The following is an entry in ClinVar:

ClinVar aggregate classification (germline): Uncertain significance (1 of 4 stars; one submission).

Allele frequency attached by ClinVar (database versions not stated): gnomAD exomes below 0.00001; gnomAD 0.00001; TOPMed 0.00002.
gnomAD v4.1: 2 of 1,613,980 alleles (0.00012%); highest among the groups gnomAD compares: African/African-American, 0.0027%; no homozygotes.

Submission:

Labcorp Genetics (formerly Invitae), Labcorp
Classification: Uncertain significance. Last evaluated: 2024-03-07. Review status: criteria provided, single submitter. Criteria: Invitae Variant Classification Sherloc (09022015). Collection method: clinical testing. Allele origin: germline.
Comment: This sequence change falls in intron 47 of the COL4A1 gene. It does not directly change the encoded amino acid sequence of the COL4A1 protein. It affects a nucleotide within the consensus splice site. This variant is present in population databases (no rsID available, gnomAD 0.007%). This variant has not been reported in the literature in individuals affected with COL4A1-related conditions. Variants that disrupt the consensus splice site are a relatively common cause of aberrant splicing (PMID: 17576681, 9536098). Algorithms developed to predict the effect of sequence changes on RNA splicing suggest that this variant is not likely to affect RNA splicing. In summary, the available evidence is currently insufficient to determine the role of this variant in disease. Therefore, it has been classified as a Variant of Uncertain Significance.

Literature cited by the submitters: PubMed 17576681; PubMed 9536098.

NM_001845.6(COL4A1):c.4249+4G>C

Gene: COL4A1 (collagen type IV alpha 1 chain; minus strand). Cytogenetic location: 13q34.
Variant type: single nucleotide variant.
Coding change: c.4249+4G>C on transcript NM_001845.6 (MANE Select); 4 bases into the intron after coding-DNA position 4249, G replaced by C.
Molecular consequence: intron variant.
Genome position (GRCh38, 1-based): chr13:110,163,459, C>G on the plus strand (G>C on the coding strand, the complement: COL4A1 is on the minus strand). VCF-style: chr13-110163459-C-G. GRCh37 (hg19) VCF-style: chr13-110815806-C-G.
Identifiers: ClinVar variation 2893936 (VCV002893936.3), dbSNP rs1448534029, ClinGen allele CA612620723.
Genomic context (GRCh38, chr13:110,163,459, plus strand): 5'-TTCTGCTCCTTCTATCCCAAAGATCCTGGTCAAGGGTAATTACGTTGGAAGTTTCGCAAC[C>G]TACCAGTAGGCCCGGCAGGTCCCATCTCTCCTTTCTGGCCAGGGGCACCGTCAAACCCAG-3'